The following is an entry in ClinVar:

NM_001367624.2(ZNF469):c.10806G>A (p.Pro3602=)

Gene: ZNF469 (zinc finger protein 469; plus strand). Cytogenetic location: 16q24.2.
Variant type: single nucleotide variant.
Coding change: c.10806G>A on transcript NM_001367624.2 (MANE Select); coding-DNA position 10806, G replaced by A.
Protein change: p.Pro3602=; no amino-acid change (proline 3602 retained).
Molecular consequence: synonymous variant.
Genome position (GRCh38, 1-based): chr16:88,438,276, G>A. VCF-style: chr16-88438276-G-A. GRCh37 (hg19) VCF-style: chr16-88504684-G-A.
Other names: NM_001127464.2:c.10722G>A; NM_001127464.1:c.10722G>A; p.Pro3602=.
Identifiers: ClinVar variation 1702371 (VCV001702371.13), dbSNP rs753881778, ClinGen allele CA8225552.

ClinVar aggregate classification (germline): Conflicting classifications of pathogenicity. Review status: criteria provided, conflicting classifications (1 of 4 stars). 6 submissions from 6 submitters: Uncertain significance (1); Likely benign (5). Last evaluated 2026-01-13.

Conditions:
ZNF469-related disorder. Also called: ZNF469-related condition.
Cardiovascular phenotype. Identifiers: MedGen CN230736.
Ehlers-Danlos syndrome (EDS). Identifiers: Orphanet 98249, MedGen C0013720, MONDO:0020066.

Allele frequency attached by ClinVar (database versions not stated): gnomAD exomes 0.00005; ExAC 0.00006; gnomAD 0.00006 and 0.00007; TOPMed 0.00007.
gnomAD v4.1: 122 of 1,548,138 alleles (0.0079%); highest among the groups gnomAD compares: East Asian, 0.015%; no homozygotes.

Submissions (6):

Labcorp Genetics (formerly Invitae), Labcorp
Classification: Likely benign. Last evaluated: 2026-01-13. Review status: criteria provided, single submitter. Criteria: Invitae Variant Classification Sherloc (09022015). Collection method: clinical testing. Allele origin: germline.

Mayo Clinic Laboratories, Mayo Clinic
Classification: Likely benign. Last evaluated: 2025-04-30. Review status: criteria provided, single submitter. Criteria: ACMG Guidelines, 2015. Collection method: clinical testing. Allele origin: germline. Observed: 1 variant allele.
Comment: BP4, BP7

PreventionGenetics, part of Exact Sciences
Classification: Likely benign for ZNF469-related condition. Last evaluated: 2024-11-09. Review status: criteria provided, single submitter. Criteria: ACMG Guidelines, 2015. Collection method: clinical testing. Allele origin: germline.
Comment: This variant is classified as likely benign based on ACMG/AMP sequence variant interpretation guidelines (Richards et al. 2015 PMID: 25741868, with internal and published modifications).

Blueprint Genetics
Classification: Likely benign. Last evaluated: 2024-10-17. Review status: criteria provided, single submitter. Criteria: ACMG Guidelines, 2015. Collection method: clinical testing. Allele origin: germline.

Genome Diagnostics Laboratory, The Hospital for Sick Children
Classification: Uncertain significance for Ehlers-Danlos syndrome. Last evaluated: 2021-05-14. Review status: criteria provided, single submitter. Criteria: ACMG Guidelines, 2015. Collection method: clinical testing. Allele origin: germline.

Ambry Genetics
Classification: Likely benign for Cardiovascular phenotype. Last evaluated: 2020-03-13. Review status: criteria provided, single submitter. Criteria: Ambry Variant Classification Scheme 2023. Collection method: clinical testing. Allele origin: germline.